The following is an entry in ClinVar:

ClinVar aggregate classification (germline): Uncertain significance. Review status: criteria provided, multiple submitters, no conflicts (2 of 4 stars). 3 submissions from 3 submitters: Uncertain significance (3). Last evaluated 2024-11-09.

Conditions:
Short-rib thoracic dysplasia 7 with or without polydactyly (SRTD7). Also called: Short rib polydactyly syndrome 5; SHORT-RIB THORACIC DYSPLASIA 7 WITH POLYDACTYLY. Identifiers: Orphanet 498497, Orphanet 93271, MedGen C3279792, MONDO:0013569, OMIM 614091.
Inborn genetic diseases. Identifiers: MedGen C0950123, MeSH D030342.
Cranioectodermal dysplasia 2 (CED2). Identifiers: Orphanet 1515, MedGen C3150874, MONDO:0013323, OMIM 613610.

Allele frequency attached by ClinVar (database versions not stated): ExAC 0.00002; TOPMed 0.00002; ESP Exome Variant Server 0.00008; 1000 Genomes Project 30x 0.00016; 1000 Genomes Project 0.00020.
gnomAD v4.1: 77 of 1,614,044 alleles (0.0048%); highest among the groups gnomAD compares: Non-Finnish European, 0.0061%; no homozygotes.

Submissions (3):

Ambry Genetics
Classification: Uncertain significance for Inborn genetic diseases. Last evaluated: 2024-11-09. Review status: criteria provided, single submitter. Criteria: Ambry Variant Classification Scheme 2023. Collection method: clinical testing. Allele origin: germline.

Labcorp Genetics (formerly Invitae), Labcorp
Classification: Uncertain significance for Cranioectodermal dysplasia 2; Short-rib thoracic dysplasia 7 with or without polydactyly. Last evaluated: 2021-12-22. Review status: criteria provided, single submitter. Criteria: Invitae Variant Classification Sherloc (09022015). Collection method: clinical testing. Allele origin: germline.
Comment: This sequence change replaces serine, which is neutral and polar, with leucine, which is neutral and non-polar, at codon 445 of the WDR35 protein (p.Ser445Leu). This variant is present in population databases (rs368497711, gnomAD 0.006%). This variant has not been reported in the literature in individuals affected with WDR35-related conditions. ClinVar contains an entry for this variant (Variation ID: 1029995). Algorithms developed to predict the effect of missense changes on protein structure and function are either unavailable or do not agree on the potential impact of this missense change (SIFT: "Deleterious"; PolyPhen-2: "Benign"; Align-GVGD: "Class C65"). In summary, the available evidence is currently insufficient to determine the role of this variant in disease. Therefore, it has been classified as a Variant of Uncertain Significance.

Baylor Genetics
Classification: Uncertain significance for Short-rib thoracic dysplasia 7 with or without polydactyly. Last evaluated: 2020-06-09. Review status: criteria provided, single submitter. Criteria: ACMG Guidelines, 2015. Collection method: clinical testing. Allele origin: unknown. Affected: yes.
Comment: This variant was determined to be of uncertain significance according to ACMG Guidelines, 2015 [PMID:25741868].

NM_020779.4(WDR35):c.1301C>T (p.Ser434Leu)

Gene: WDR35 (WD repeat domain 35; minus strand). Cytogenetic location: 2p24.1.
Variant type: single nucleotide variant.
Coding change: c.1301C>T on transcript NM_020779.4 (MANE Select); coding-DNA position 1301, C replaced by T.
Protein change: p.Ser434Leu; replaces serine 434 with leucine.
Molecular consequence: missense variant.
Genome position (GRCh38, 1-based): chr2:19,953,933, G>A on the plus strand (C>T on the coding strand, the complement: WDR35 is on the minus strand). VCF-style: chr2-19953933-G-A. GRCh37 (hg19) VCF-style: chr2-20153694-G-A.
Other names: c.1334C>T, p.Ser445Leu (NM_001006657.2); short protein forms S434L, S445L.
Identifiers: ClinVar variation 1029995 (VCV001029995.4), dbSNP rs368497711, ClinGen allele CA1543265.
Genomic context (GRCh38, chr2:19,953,933, plus strand): 5'-ATTTCCAATGCTGTGAGCTTCTTTGCCACACGATATTGCCAGGTATAAAATGCTTCTTTC[G>A]AGGCTGCTATCACATGGGTTTTGGTCATTGCAACAAACAATGGTACTGTTAAAAATAACA-3'
Protein context (NP_065830.2, residues 424-444): AMTKTHVIAA[Ser434Leu]KEAFYTWQYR